The following is an entry in ClinVar:

NM_001378454.1(ALMS1):c.1159del (p.His387fs)

Gene: ALMS1 (ALMS1 centrosome and basal body associated protein; plus strand). Cytogenetic location: 2p13.1.
Variant type: Deletion.
Coding change: c.1159del on transcript NM_001378454.1 (MANE Select); coding-DNA position 1159, one base deleted (C; older notation c.1159delC).
Protein change: p.His387fs; shifts the reading frame from histidine 387.
Molecular consequence: frameshift variant.
Genome position (GRCh38, 1-based): chr2:73,424,824, C deleted; the last of 2 consecutive C bases (chr2:73,424,823-73,424,824); deleting either gives the same sequence. VCF-style (leftmost placement, unchanged base first): chr2-73424822-AC-A. GRCh37 (hg19) VCF-style: chr2-73651950-AC-A.
Other names: c.1162del, p.His388fs (NM_015120.4); short protein forms H388fs, H387fs.
Identifiers: ClinVar variation 3722430 (VCV003722430.2).

ClinVar aggregate classification (germline): Pathogenic (1 of 4 stars; one submission).

Conditions:
Alstrom syndrome (ALMS). Identifiers: Orphanet 64, MedGen C0268425, MONDO:0008763, OMIM 203800.

Submission:

Labcorp Genetics (formerly Invitae), Labcorp
Classification: Pathogenic for Alstrom syndrome. Last evaluated: 2025-06-11. Review status: criteria provided, single submitter. Criteria: Invitae Variant Classification Sherloc (09022015). Collection method: clinical testing. Allele origin: germline.
Comment: This sequence change creates a premature translational stop signal (p.His388Ilefs*25) in the ALMS1 gene. It is expected to result in an absent or disrupted protein product. Loss-of-function variants in ALMS1 are known to be pathogenic (PMID: 17594715). This variant is not present in population databases (gnomAD no frequency). This variant has not been reported in the literature in individuals affected with ALMS1-related conditions. ClinVar contains an entry for this variant (Variation ID: 3722430). For these reasons, this variant has been classified as Pathogenic.

Literature cited by the submitters: PubMed 17594715.